The following is an entry in ClinVar:

ClinVar aggregate classification (germline): Uncertain significance (1 of 4 stars; one submission).

Conditions:
Cardiovascular phenotype. Identifiers: MedGen CN230736.

Submission:

Ambry Genetics
Classification: Uncertain significance for Cardiovascular phenotype. Last evaluated: 2024-11-10. Review status: criteria provided, single submitter. Criteria: Ambry Variant Classification Scheme 2023. Collection method: clinical testing. Allele origin: germline.
Comment: The p.S140I variant (also known as c.419G>T), located in coding exon 3 of the FHL1 gene, results from a G to T substitution at nucleotide position 419. The serine at codon 140 is replaced by isoleucine, an amino acid with dissimilar properties. This amino acid position is conserved. In addition, this alteration is predicted to be deleterious by in silico analysis. Based on the available evidence, the clinical significance of this variant remains unclear.

NM_001159699.2(FHL1):c.467G>T (p.Ser156Ile)

Gene: FHL1 (four and a half LIM domains 1; plus strand). Cytogenetic location: Xq26.3.
Variant type: single nucleotide variant.
Coding change: c.467G>T on transcript NM_001159699.2 (MANE Select); coding-DNA position 467, G replaced by T.
Protein change: p.Ser156Ile; replaces serine 156 with isoleucine.
Molecular consequence: missense variant. On other transcripts: non-coding transcript variant (1).
Genome position (GRCh38, 1-based): chrX:136,207,879, G>T. VCF-style: chrX-136207879-G-T. GRCh37 (hg19) VCF-style: chrX-135290038-G-T.
Other names: c.419G>T, p.Ser140Ile (NM_001159700.2, NM_001159702.3, NM_001159703.2 and 9 more transcripts); c.506G>T, p.Ser169Ile (NM_001159701.2); c.467G>T, p.Ser156Ile (NM_001330659.2); short protein forms S140I, S156I, S169I.
Identifiers: ClinVar variation 3515258 (VCV003515258.1).